The following is an entry in ClinVar:

NM_000548.5(TSC2):c.5156C>G (p.Ala1719Gly)

Gene: TSC2 (TSC complex subunit 2; plus strand). Cytogenetic location: 16p13.3.
Variant type: single nucleotide variant.
Coding change: c.5156C>G on transcript NM_000548.5 (MANE Select); coding-DNA position 5156, C replaced by G.
Protein change: p.Ala1719Gly; replaces alanine 1719 with glycine.
Molecular consequence: missense variant.
Genome position (GRCh38, 1-based): chr16:2,088,135, C>G. VCF-style: chr16-2088135-C-G. GRCh37 (hg19) VCF-style: chr16-2138136-C-G.
Other names: c.4955C>G, p.Ala1652Gly (NM_001077183.3); c.5087C>G, p.Ala1696Gly (NM_001114382.3); c.4847C>G, p.Ala1616Gly (NM_001318827.2); c.4811C>G, p.Ala1604Gly (NM_001318829.2); c.4424C>G, p.Ala1475Gly (NM_001318831.2); c.4988C>G, p.Ala1663Gly (NM_001318832.2); c.4958C>G, p.Ala1653Gly (NM_001363528.2); c.5024C>G, p.Ala1675Gly (NM_001370404.1); and 1 more; short protein forms A1475G, A1604G, A1616G, A1652G, A1653G, A1663G, A1675G, A1676G.
Identifiers: ClinVar variation 1002845 (VCV001002845.8), dbSNP rs2091100543, ClinGen allele CA394312668.

ClinVar aggregate classification (germline): Uncertain significance (1 of 4 stars; one submission).

Conditions:
Tuberous sclerosis 2 (TSC2). Identifiers: Orphanet 805, MedGen C1860707, MONDO:0013199, OMIM 613254.

gnomAD v4.1: 1 of 1,613,032 alleles (0.000062%); no homozygotes.

Submission:

Labcorp Genetics (formerly Invitae), Labcorp
Classification: Uncertain significance for Tuberous sclerosis 2. Last evaluated: 2020-09-24. Review status: criteria provided, single submitter. Criteria: Invitae Variant Classification Sherloc (09022015). Collection method: clinical testing. Allele origin: germline.
Comment: This sequence change replaces alanine with glycine at codon 1719 of the TSC2 protein (p.Ala1719Gly). The alanine residue is highly conserved and there is a small physicochemical difference between alanine and glycine. In summary, the available evidence is currently insufficient to determine the role of this variant in disease. Therefore, it has been classified as a Variant of Uncertain Significance. Algorithms developed to predict the effect of missense changes on protein structure and function are either unavailable or do not agree on the potential impact of this missense change (SIFT: "Deleterious"; PolyPhen-2: "Benign"; Align-GVGD: "Class C0"). This variant has not been reported in the literature in individuals with TSC2-related conditions. This variant is not present in population databases (ExAC no frequency).